The following is an entry in ClinVar:

ClinVar aggregate classification (germline): Likely benign. Review status: criteria provided, multiple submitters, no conflicts (2 of 4 stars). 2 submissions from 2 submitters: Likely benign (2). Last evaluated 2025-12-23.

Conditions:
Combined immunodeficiency due to DOCK8 deficiency (HIES2). Also called: Hyper-IgE recurrent infection syndrome, autosomal recessive; HYPER-IgE RECURRENT INFECTION SYNDROME 2, AUTOSOMAL RECESSIVE; HIES autosomal recessive; DOCK8 Deficiency; HYPER-IgE SYNDROME 2, AUTOSOMAL RECESSIVE, WITH RECURRENT INFECTIONS. Identifiers: Orphanet 217390, MedGen C4722305, MONDO:0009478, OMIM 243700.

Allele frequency attached by ClinVar (database versions not stated): gnomAD 0.00005; ESP Exome Variant Server 0.00008; TOPMed 0.00008; ExAC 0.00016; gnomAD exomes 0.00016.
gnomAD v4.1: 84 of 1,614,018 alleles (0.0052%); highest among the groups gnomAD compares: Admixed American, 0.082%; no homozygotes.

Submissions (2):

Labcorp Genetics (formerly Invitae), Labcorp
Classification: Likely benign for Combined immunodeficiency due to DOCK8 deficiency. Last evaluated: 2025-12-23. Review status: criteria provided, single submitter. Criteria: Invitae Variant Classification Sherloc (09022015). Collection method: clinical testing. Allele origin: germline.

GeneDx
Classification: Likely benign. Last evaluated: 2016-09-15. Review status: criteria provided, single submitter. Criteria: GeneDx Variant Classification (06012015). Collection method: clinical testing. Allele origin: germline. Affected: yes.
Comment: This variant is considered likely benign or benign based on one or more of the following criteria: it is a conservative change, it occurs at a poorly conserved position in the protein, it is predicted to be benign by multiple in silico algorithms, and/or has population frequency not consistent with disease.

NM_203447.4(DOCK8):c.477G>A (p.Pro159=)

Gene: DOCK8 (dedicator of cytokinesis 8; plus strand). Cytogenetic location: 9p24.3.
Variant type: single nucleotide variant.
Coding change: c.477G>A on transcript NM_203447.4 (MANE Select); coding-DNA position 477, G replaced by A.
Protein change: p.Pro159=; no amino-acid change (proline 159 retained).
Molecular consequence: synonymous variant.
Genome position (GRCh38, 1-based): chr9:304,653, G>A. VCF-style: chr9-304653-G-A. GRCh37 (hg19) VCF-style: chr9-304653-G-A.
Other names: c.273G>A, p.Pro91= (NM_001190458.2, NM_001193536.2).
Identifiers: ClinVar variation 389293 (VCV000389293.12), dbSNP rs375091035, ClinGen allele CA4957253.